The following is an entry in ClinVar:

NM_001374736.1(DST):c.15645G>A (p.Met5215Ile)

Gene: DST (dystonin; minus strand). Cytogenetic location: 6p12.1.
Variant type: single nucleotide variant.
Coding change: c.15645G>A on transcript NM_001374736.1 (MANE Select); coding-DNA position 15645, G replaced by A.
Protein change: p.Met5215Ile; replaces methionine 5215 with isoleucine.
Molecular consequence: missense variant.
Genome position (GRCh38, 1-based): chr6:56,553,147, C>T on the plus strand (G>A on the coding strand, the complement: DST is on the minus strand). VCF-style: chr6-56553147-C-T. GRCh37 (hg19) VCF-style: chr6-56417945-C-T.
Other names: c.9288G>A, p.Met3096Ile (NM_001144769.5); c.8874G>A, p.Met2958Ile (NM_001144770.2); c.15645G>A, p.Met5215Ile (NM_001374722.1); c.15012G>A, p.Met5004Ile (NM_001374729.1); c.8754G>A, p.Met2918Ile (NM_001374730.1, NM_001386100.1, NM_183380.4); c.15672G>A, p.Met5224Ile (NM_001374734.1); c.7776G>A, p.Met2592Ile (NM_015548.5); short protein forms M3096I, M5215I, M5224I, M2958I, M2592I, M2918I, M5004I.
Identifiers: ClinVar variation 1766433 (VCV001766433.2), dbSNP rs1285546568, ClinGen allele CA364516523.

ClinVar aggregate classification (germline): Uncertain significance (1 of 4 stars; one submission).

Conditions:
Inborn genetic diseases. Identifiers: MedGen C0950123, MeSH D030342.

Allele frequency attached by ClinVar (database versions not stated): gnomAD exomes below 0.00001; TOPMed below 0.00001; gnomAD 0.00001.
gnomAD v4.1: 7 of 1,613,864 alleles (0.00043%); highest among the groups gnomAD compares: African/African-American, 0.0013%; no homozygotes.

Submission:

Ambry Genetics
Classification: Uncertain significance for Inborn genetic diseases. Last evaluated: 2022-02-13. Review status: criteria provided, single submitter. Criteria: Ambry Variant Classification Scheme 2023. Collection method: clinical testing. Allele origin: germline.
Comment: The p.M3096I variant (also known as c.9288G>A), located in coding exon 55 of the DST gene, results from a G to A substitution at nucleotide position 9288. The methionine at codon 3096 is replaced by isoleucine, an amino acid with highly similar properties. This amino acid position is not well conserved in available vertebrate species. In addition, this alteration is predicted to be tolerated by in silico analysis. Since supporting evidence is limited at this time, the clinical significance of this alteration remains unclear.